The following is an entry in ClinVar:

ClinVar aggregate classification (germline): Uncertain significance (1 of 4 stars; one submission).

Allele frequency attached by ClinVar (database versions not stated): TOPMed 0.00001.
gnomAD v4.1: 1 of 1,614,162 alleles (0.000062%); highest among the groups gnomAD compares: African/African-American, 0.0013%; no homozygotes.

Submission:

Labcorp Genetics (formerly Invitae), Labcorp
Classification: Uncertain significance. Last evaluated: 2022-01-06. Review status: criteria provided, single submitter. Criteria: Invitae Variant Classification Sherloc (09022015). Collection method: clinical testing. Allele origin: germline.
Comment: This sequence change replaces asparagine, which is neutral and polar, with aspartic acid, which is acidic and polar, at codon 4685 of the USH2A protein (p.Asn4685Asp). This variant is not present in population databases (gnomAD no frequency). This variant has not been reported in the literature in individuals affected with USH2A-related conditions. ClinVar contains an entry for this variant (Variation ID: 969289). Algorithms developed to predict the effect of missense changes on protein structure and function output the following: SIFT: "Tolerated"; PolyPhen-2: "Benign"; Align-GVGD: "Class C0". The aspartic acid amino acid residue is found in multiple mammalian species, which suggests that this missense change does not adversely affect protein function. In summary, the available evidence is currently insufficient to determine the role of this variant in disease. Therefore, it has been classified as a Variant of Uncertain Significance.

NM_206933.4(USH2A):c.14053A>G (p.Asn4685Asp)

Gene: USH2A (usherin; minus strand). Cytogenetic location: 1q41.
Variant type: single nucleotide variant.
Coding change: c.14053A>G on transcript NM_206933.4 (MANE Select); coding-DNA position 14053, A replaced by G.
Protein change: p.Asn4685Asp; replaces asparagine 4685 with aspartic acid.
Molecular consequence: missense variant.
Genome position (GRCh38, 1-based): chr1:215,671,052, T>C on the plus strand (A>G on the coding strand, the complement: USH2A is on the minus strand). VCF-style: chr1-215671052-T-C. GRCh37 (hg19) VCF-style: chr1-215844394-T-C.
Other names: short protein forms N4685D.
Identifiers: ClinVar variation 969289 (VCV000969289.5), dbSNP rs1657798161, ClinGen allele CA344840391.